The following is an entry in ClinVar:

NM_000214.3(JAG1):c.1964G>A (p.Cys655Tyr)

Gene: JAG1 (jagged canonical Notch ligand 1; minus strand). Cytogenetic location: 20p12.2.
Variant type: single nucleotide variant.
Coding change: c.1964G>A on transcript NM_000214.3 (MANE Select); coding-DNA position 1964, G replaced by A.
Protein change: p.Cys655Tyr; replaces cysteine 655 with tyrosine.
Molecular consequence: missense variant.
Genome position (GRCh38, 1-based): chr20:10,646,006, C>T on the plus strand (G>A on the coding strand, the complement: JAG1 is on the minus strand). VCF-style: chr20-10646006-C-T. GRCh37 (hg19) VCF-style: chr20-10626654-C-T.
Other names: short protein forms C655Y.
Identifiers: ClinVar variation 5022877 (VCV005022877.1).

ClinVar aggregate classification (germline): Uncertain significance (1 of 4 stars; one submission).

Conditions:
Cardiovascular phenotype. Identifiers: MedGen CN230736.

Submission:

Ambry Genetics
Classification: Uncertain significance for Cardiovascular phenotype. Last evaluated: 2026-08-08. Review status: criteria provided, single submitter. Criteria: Ambry Variant Classification Scheme 2023. Collection method: clinical testing. Allele origin: germline.
Comment: The p.C655Y variant (also known as c.1964G>A), located in coding exon 15 of the JAG1 gene, results from a G to A substitution at nucleotide position 1964. The cysteine at codon 655 is replaced by tyrosine, an amino acid with highly dissimilar properties. This amino acid position is conserved. In addition, this alteration is predicted to be deleterious by in silico analysis. Based on the available evidence, the clinical significance of this variant remains unclear.